The following is an entry in ClinVar:

ClinVar aggregate classification (germline): Uncertain significance (1 of 4 stars; one submission).

Conditions:
Cardiovascular phenotype. Identifiers: MedGen CN230736.
Hereditary cancer-predisposing syndrome. Also called: Hereditary neoplastic syndrome; Neoplastic Syndromes, Hereditary; Tumor predisposition; Hereditary Cancer Syndrome. Identifiers: Orphanet 140162, MedGen C0027672, MeSH D009386, MONDO:0015356.

Submission:

Ambry Genetics
Classification: Uncertain significance for Cardiovascular phenotype; Hereditary cancer-predisposing syndrome. Last evaluated: 2025-07-29. Review status: criteria provided, single submitter. Criteria: Ambry Variant Classification Scheme 2023. Collection method: clinical testing. Allele origin: germline.
Comment: The c.4662-5delTinsAAA intronic variant begins 5 nucleotides before coding exon 35 in the NF1 gene. This variant results from a deletion of 1 nucleotide and the insertion of 3 nucleotides at position c.4662-5. This nucleotide position is well conserved in available vertebrate species. In silico splice site analysis predicts that this alteration may weaken the native splice acceptor site. Based on the available evidence, the clinical significance of this variant remains unclear.

NM_001042492.3(NF1):c.4725-5delinsAAA

Gene: NF1 (neurofibromin 1; plus strand). Cytogenetic location: 17q11.2.
Variant type: Indel.
Coding change: c.4725-5delinsAAA on transcript NM_001042492.3 (MANE Select); 5 bases into the intron before coding-DNA position 4725, T replaced by AAA.
Molecular consequence: intron variant.
Genome position (GRCh38, 1-based): chr17:31,265,224, T replaced by AAA. VCF-style: chr17-31265224-T-AAA. GRCh37 (hg19) VCF-style: chr17-29592242-T-AAA.
Other names: c.4662-5delinsAAA (NM_000267.4).
Identifiers: ClinVar variation 4119102 (VCV004119102.1).